The following is an entry in ClinVar:

ClinVar aggregate classification (germline): Pathogenic (1 of 4 stars; one submission).

Conditions:
Mitochondrial hypertrophic cardiomyopathy with lactic acidosis due to MTO1 deficiency. Also called: CARDIOMYOPATHY, INFANTILE HYPERTROPHIC MITOCHONDRIAL, AND LACTIC ACIDOSIS; Combined oxidative phosphorylation deficiency 10. Identifiers: Orphanet 314637, MedGen C4749921, MONDO:0013865, OMIM 614702.

Submission:

Labcorp Genetics (formerly Invitae), Labcorp
Classification: Pathogenic for Mitochondrial hypertrophic cardiomyopathy with lactic acidosis due to MTO1 deficiency. Last evaluated: 2025-03-03. Review status: criteria provided, single submitter. Criteria: Invitae Variant Classification Sherloc (09022015). Collection method: clinical testing. Allele origin: germline.
Comment: This sequence change creates a premature translational stop signal (p.Gly211Aspfs*3) in the MTO1 gene. It is expected to result in an absent or disrupted protein product. Loss-of-function variants in MTO1 are known to be pathogenic (PMID: 22608499, 25058219). This variant is present in population databases (no rsID available, gnomAD 0.002%). This premature translational stop signal has been observed in individual(s) with clinical features of combined oxidative phosphorylation deficiency (PMID: 25058219). For these reasons, this variant has been classified as Pathogenic.

Literature cited by the submitters: PubMed 22608499; PubMed 25058219.

NM_012123.4(MTO1):c.632del (p.Gly211fs)

Gene: MTO1 (mitochondrial tRNA translation optimization 1; plus strand). Cytogenetic location: 6q13.
Variant type: Deletion.
Coding change: c.632del on transcript NM_012123.4 (MANE Select); coding-DNA position 632, one base deleted (G; older notation c.632delG).
Protein change: p.Gly211fs; shifts the reading frame from glycine 211.
Molecular consequence: frameshift variant.
Genome position (GRCh38, 1-based): chr6:73,473,461, G deleted; the last of 2 consecutive G bases (chr6:73,473,460-73,473,461); deleting either gives the same sequence. VCF-style (leftmost placement, unchanged base first): chr6-73473459-AG-A. GRCh37 (hg19) VCF-style: chr6-74183182-AG-A.
Other names: c.632del, p.Gly211fs (NM_001123226.2, NM_133645.3); short protein forms G211fs.
Identifiers: ClinVar variation 4747521 (VCV004747521.1).
Genomic context (GRCh38, chr6:73,473,459, plus strand): 5'-TCTGACTACTGGGACATTTCTGAGAGGCATGATTGTAATTGGATTGGAGACGCATCCAGC[AG>A]GACGTTTAGGGGATCAGCCTTCTATAGGATTGGCTCAGACACTGGAGAAGTTAGGGTTTG-3'